The following is an entry in ClinVar:

NM_002693.3(POLG):c.2358C>T (p.Ala786=)

Gene: POLG (DNA polymerase gamma, catalytic subunit; minus strand). Cytogenetic location: 15q26.1.
Variant type: single nucleotide variant.
Coding change: c.2358C>T on transcript NM_002693.3 (MANE Select); coding-DNA position 2358, C replaced by T.
Protein change: p.Ala786=; no amino-acid change (alanine 786 retained).
Molecular consequence: synonymous variant.
Genome position (GRCh38, 1-based): chr15:89,322,810, G>A on the plus strand (C>T on the coding strand, the complement: POLG is on the minus strand). VCF-style: chr15-89322810-G-A. GRCh37 (hg19) VCF-style: chr15-89866041-G-A.
Other names: c.2358C>T, p.Ala786= (NM_001126131.2).
Identifiers: ClinVar variation 1711390 (VCV001711390.33), dbSNP rs761560591, ClinGen allele CA492075719.
Genomic context (GRCh38, chr15:89,322,810, plus strand): 5'-TTTATGGGCGTTCCTCCAGAAAGAAATCATTTTGTTGATTTCCAGAGCACGGGGCCCACT[G>A]GCACCTCCTGGGCCAGCCTGCAGGGTGCCATCCTCCATCTTGGGCAGGAAGTCCTTGGCA-3'
Protein context (NP_002684.1, residues 776-796): DGTLQAGPGG[Ala786=]SGPRALEINK

ClinVar aggregate classification (germline): Likely benign. Review status: criteria provided, multiple submitters, no conflicts (2 of 4 stars). 2 submissions from 2 submitters: Likely benign (2). Last evaluated 2025-06-19.

Conditions:
Progressive sclerosing poliodystrophy (MTDPS4A). Also called: Alpers-Huttenlocher Syndrome (AHS); NEURONAL DEGENERATION OF CHILDHOOD WITH LIVER DISEASE, PROGRESSIVE; Mitochondrial DNA depletion syndrome 4A (Alpers type); Mitochondrial DNA Depletion Syndrome 4A; ALPERS PROGRESSIVE INFANTILE POLIODYSTROPHY; Alpers Syndrome. Identifiers: Orphanet 726, MedGen C0205710, MONDO:0008758, OMIM 203700.

Submissions (2):

Labcorp Genetics (formerly Invitae), Labcorp
Classification: Likely benign for Progressive sclerosing poliodystrophy. Last evaluated: 2025-06-19. Review status: criteria provided, single submitter. Criteria: Invitae Variant Classification Sherloc (09022015). Collection method: clinical testing. Allele origin: germline.

CeGaT Center for Human Genetics Tuebingen
Classification: Likely benign. Last evaluated: 2022-09-01. Review status: criteria provided, single submitter. Criteria: CeGaT Center For Human Genetics Tuebingen Variant Classification Criteria Version 2. Collection method: clinical testing. Allele origin: germline. Affected: yes. Observed: 1 variant allele.
Comment: POLG: PM2:Supporting, BP4, BP7